The following is an entry in ClinVar:

ClinVar aggregate classification (germline): Likely pathogenic (1 of 4 stars; one submission).

Conditions:
Developmental and epileptic encephalopathy. Identifiers: MedGen C5779964, MONDO:0100620.

Submission:

Labcorp Genetics (formerly Invitae), Labcorp
Classification: Likely pathogenic for Early-infantile DEE. Last evaluated: 2020-03-17. Review status: criteria provided, single submitter. Criteria: Invitae Variant Classification Sherloc (09022015). Collection method: clinical testing. Allele origin: germline.
Comment: In summary, the currently available evidence indicates that the variant is pathogenic, but additional data are needed to prove that conclusively. Therefore, this variant has been classified as Likely Pathogenic. This variant disrupts the p.Leu107 amino acid residue in KCNQ2. Other variant(s) that disrupt this residue have been determined to be pathogenic (PMID: 27535030, Invitae). This suggests that this residue is clinically significant, and that variants that disrupt this residue are likely to be disease-causing. This variant has not been reported in the literature in individuals with KCNQ2-related conditions. This variant is an in-frame deletion of the genomic region encompassing exon 2-12 of the KCNQ2 gene. It preserves the integrity of the reading frame.

Literature cited by the submitters: PubMed 27535030.

NC_000020.10:g.(?_62050952)_(62078210_?)del

Gene: KCNQ2 (potassium voltage-gated channel subfamily Q member 2; minus strand). Cytogenetic location: 20q13.33.
Variant type: Deletion.
Identifiers: ClinVar variation 1067611 (VCV001067611.8).